The following is an entry in ClinVar:

NM_007289.4(MME):c.103G>A (p.Val35Ile)

Gene: MME (membrane metalloendopeptidase; plus strand). Cytogenetic location: 3q25.2.
Variant type: single nucleotide variant.
Coding change: c.103G>A on transcript NM_007289.4 (MANE Select); coding-DNA position 103, G replaced by A.
Protein change: p.Val35Ile; replaces valine 35 with isoleucine.
Molecular consequence: missense variant.
Genome position (GRCh38, 1-based): chr3:155,084,270, G>A. VCF-style: chr3-155084270-G-A. GRCh37 (hg19) VCF-style: chr3-154802059-G-A.
Other names: c.103G>A, p.Val35Ile (NM_000902.5, NM_001354642.2, NM_001354643.1 and 3 more transcripts); short protein forms V35I.
Identifiers: ClinVar variation 1946931 (VCV001946931.5), dbSNP rs1715451885, ClinGen allele CA355128752.

ClinVar aggregate classification (germline): Uncertain significance (1 of 4 stars; one submission).

Allele frequency attached by ClinVar (database versions not stated): TOPMed below 0.00001.

Submission:

Labcorp Genetics (formerly Invitae), Labcorp
Classification: Uncertain significance. Last evaluated: 2022-05-01. Review status: criteria provided, single submitter. Criteria: Invitae Variant Classification Sherloc (09022015). Collection method: clinical testing. Allele origin: germline.
Comment: In summary, the available evidence is currently insufficient to determine the role of this variant in disease. Therefore, it has been classified as a Variant of Uncertain Significance. Algorithms developed to predict the effect of missense changes on protein structure and function are either unavailable or do not agree on the potential impact of this missense change (SIFT: "Tolerated"; PolyPhen-2: "Possibly Damaging"; Align-GVGD: "Class C0"). This variant has not been reported in the literature in individuals affected with MME-related conditions. This variant is not present in population databases (gnomAD no frequency). This sequence change replaces valine, which is neutral and non-polar, with isoleucine, which is neutral and non-polar, at codon 35 of the MME protein (p.Val35Ile).